The following is an entry in ClinVar:

ClinVar aggregate classification (germline): Benign. Review status: criteria provided, multiple submitters, no conflicts (2 of 4 stars). 2 submissions from 2 submitters: Benign (2). Last evaluated 2018-01-13.

Conditions:
Peroxisome biogenesis disorder 7A (Zellweger). Also called: Peroxisome biogenesis disorder 7A. Identifiers: Orphanet 912, MedGen C3888385, MONDO:0013938, OMIM 614872.

Allele frequency attached by ClinVar (database versions not stated): 1000 Genomes Project 0.07129; 1000 Genomes Project 30x 0.07386; TOPMed 0.09870; gnomAD 0.10129 and 0.10773; gnomAD exomes 0.10145.

Submissions (2):

Illumina Laboratory Services, Illumina
Classification: Benign for Peroxisome biogenesis disorder 7A (Zellweger). Last evaluated: 2018-01-13. Review status: criteria provided, single submitter. Criteria: ICSL Variant Classification Criteria 13 December 2019. Collection method: clinical testing. Allele origin: germline.
Comment: This variant was observed in the ICSL laboratory as part of a predisposition screen in an ostensibly healthy population. It had not been previously curated by ICSL or reported in the Human Gene Mutation Database (HGMD: prior to June 1st, 2018), and was therefore a candidate for classification through an automated scoring system. Utilizing variant allele frequency, disease prevalence and penetrance estimates, and inheritance mode, an automated score was calculated to assess if this variant is too frequent to cause the disease. Based on the score and internal cut-off values, a variant classified as benign is not then subjected to further curation. The score for this variant resulted in a classification of benign for this disease.

Breakthrough Genomics
Classification: Benign. Review status: criteria provided, single submitter. Criteria: ACMG Guidelines, 2015. Collection method: not provided. Allele origin: germline. Inheritance: Autosomal recessive inheritance. Affected: yes.

NM_001127649.3(PEX26):c.*917C>T

Gene: PEX26 (peroxisomal biogenesis factor 26; plus strand). Cytogenetic location: 22q11.21.
Variant type: single nucleotide variant.
Coding change: c.*917C>T on transcript NM_001127649.3 (MANE Select); 917 bases downstream of the stop codon, C replaced by T.
Molecular consequence: 3 prime UTR variant.
Genome position (GRCh38, 1-based): chr22:18,088,992, C>T. VCF-style: chr22-18088992-C-T. GRCh37 (hg19) VCF-style: chr22-18571758-C-T.
Other names: c.*917C>T (NM_001199319.2, NM_017929.6).
Identifiers: ClinVar variation 340774 (VCV000340774.6), dbSNP rs9605518, ClinGen allele CA10653850.